The following is an entry in ClinVar:

ClinVar aggregate classification (germline): Uncertain significance (1 of 4 stars; one submission).

Conditions:
Brachyolmia-amelogenesis imperfecta syndrome. Also called: PLATYSPONDYLY WITH AMELOGENESIS IMPERFECTA; Tooth agenesis, selective, 6; Dental anomalies and short stature. Identifiers: Orphanet 2899, MedGen C1832594, MONDO:0011018, OMIM 601216. Disease mechanism: loss of function.

Submission:

Labcorp Genetics (formerly Invitae), Labcorp
Classification: Uncertain significance for Brachyolmia-amelogenesis imperfecta syndrome. Last evaluated: 2024-05-24. Review status: criteria provided, single submitter. Criteria: Invitae Variant Classification Sherloc (09022015). Collection method: clinical testing. Allele origin: germline.
Comment: This variant, c.3768_3770del, results in the deletion of 1 amino acid(s) of the LTBP3 protein (p.Asp1256del), but otherwise preserves the integrity of the reading frame. This variant is not present in population databases (gnomAD no frequency). This variant has not been reported in the literature in individuals affected with LTBP3-related conditions. Experimental studies and prediction algorithms are not available or were not evaluated, and the functional significance of this variant is currently unknown. In summary, the available evidence is currently insufficient to determine the role of this variant in disease. Therefore, it has been classified as a Variant of Uncertain Significance.

NM_001130144.3(LTBP3):c.3765CGA[1] (p.Asp1256del)

Gene: LTBP3 (latent transforming growth factor beta binding protein 3; minus strand). Cytogenetic location: 11q13.1.
Variant type: Microsatellite.
Coding change: c.3765CGA[1] on transcript NM_001130144.3 (MANE Select); one copy of the 3-base unit CGA starting at c.3765; the reference has two copies in a row; one copy, 3 bases deleted.
Protein change: p.Asp1256del; deletes aspartic acid 1256.
Molecular consequence: inframe deletion.
Genome position (GRCh38, 1-based): chr11:65,539,222-65,539,224, TCG deleted on the plus strand (CGA on the coding strand, the reverse complement: LTBP3 is on the minus strand); deleting any 3 consecutive bases within chr11:65,539,222-65,539,227 gives the same sequence; the position shown is the placement nearest the transcript's 3' end. VCF-style (leftmost placement, unchanged base first): chr11-65539221-CTCG-C. GRCh37 (hg19) VCF-style: chr11-65306692-CTCG-C.
Other names: c.3273CGA[1], p.Asp1092del (NM_001164266.1); c.3624CGA[1], p.Asp1209del (NM_021070.4); short protein forms D1092del, D1209del, D1256del.
Identifiers: ClinVar variation 1928513 (VCV001928513.5), dbSNP rs2496110628, ClinGen allele CA2574875650.